The following is an entry in ClinVar:

ClinVar aggregate classification (germline): Uncertain significance (0 of 4 stars; one submission).

Conditions:
RAI1-related disorder. Also called: RAI1-related condition.

Submission:

PreventionGenetics, part of Exact Sciences
Classification: Uncertain significance for RAI1-related condition. Last evaluated: 2024-04-19. Review status: no assertion criteria provided. Collection method: clinical testing. Allele origin: germline.
Comment: The RAI1 c.4864A>G variant is predicted to result in the amino acid substitution p.Lys1622Glu. To our knowledge, this variant has not been reported in the literature. This variant is reported in 0.0018% of alleles in individuals of European (Non-Finnish) descent in gnomAD. At this time, the clinical significance of this variant is uncertain due to the absence of conclusive functional and genetic evidence.

NM_030665.4(RAI1):c.4864A>G (p.Lys1622Glu)

Gene: RAI1 (retinoic acid induced 1; plus strand). Cytogenetic location: 17p11.2.
Variant type: single nucleotide variant.
Coding change: c.4864A>G on transcript NM_030665.4 (MANE Select); coding-DNA position 4864, A replaced by G.
Protein change: p.Lys1622Glu; replaces lysine 1622 with glutamic acid.
Molecular consequence: missense variant.
Genome position (GRCh38, 1-based): chr17:17,797,812, A>G. VCF-style: chr17-17797812-A-G. GRCh37 (hg19) VCF-style: chr17-17701126-A-G.
Other names: short protein forms K1622E.
Identifiers: ClinVar variation 3344211 (VCV003344211.1).